The following is an entry in ClinVar:

NM_007294.4(BRCA1):c.1132_1135del (p.Ser378fs)

Gene: BRCA1 (BRCA1 DNA repair associated; minus strand). Cytogenetic location: 17q21.31.
Variant type: Deletion.
Coding change: c.1132_1135del on transcript NM_007294.4 (MANE Select); coding-DNA positions 1132 to 1135, 4 bases deleted (AGCA; older notation c.1132_1135delAGCA).
Protein change: p.Ser378fs; shifts the reading frame from serine 378.
Molecular consequence: frameshift variant. On other transcripts: intron variant (137).
Genome position (GRCh38, 1-based): chr17:43,094,396-43,094,399, TGCT deleted on the plus strand (AGCA on the coding strand, the reverse complement: BRCA1 is on the minus strand). VCF-style (leftmost placement, unchanged base first): chr17-43094395-ATGCT-A. GRCh37 (hg19) VCF-style: chr17-41246412-ATGCT-A.
Other names: c.667+1447_667+1450del (NM_001408424.1, NM_001408421.1, NM_001408431.1); c.784+345_784+348del (NM_001408407.1, NM_001408402.1, NM_001408473.1 and 13 more transcripts); c.664+345_664+348del (NM_001408443.1, NM_001408439.1, NM_001408425.1 and 12 more transcripts); c.670+1447_670+1450del (NM_001408419.1, NM_001408422.1, NM_001408418.1 and 2 more transcripts); c.787+345_787+348del (NM_001408403.1, NM_001407983.1, NM_001407975.1 and 19 more transcripts); c.790+342_790+345del (NM_001408406.1); c.646+345_646+348del (NM_001408456.1, NM_001408410.1, NM_001408458.1 and 11 more transcripts); c.643+345_643+348del (NM_001408465.1, NM_001408463.1, NM_001408462.1 and 3 more transcripts); and 40 more; short protein forms S331fs, S378fs, S250fs, S251fs, S267fs, S289fs, S307fs, S351fs.
Identifiers: ClinVar variation 431206 (VCV000431206.2), dbSNP rs1135401841, ClinGen allele CA645373200.

ClinVar aggregate classification (germline): Pathogenic. Review status: reviewed by expert panel (3 of 4 stars). 2 submissions from 2 submitters: Pathogenic (1). 1 of the submissions does not count toward it. Last evaluated 2017-12-15.

Conditions:
Hereditary breast ovarian cancer syndrome. Also called: Hereditary breast and ovarian cancer syndrome (HBOC); BRCA1- and BRCA2-Associated Hereditary Breast and Ovarian Cancer; Hereditary breast and/or ovarian cancer syndrome; Hereditary breast and ovarian cancer syndrome; Hereditary breast and ovarian cancer; Breast and ovarian cancer. Identifiers: Orphanet 145, MedGen C0677776, MeSH D061325, MONDO:0003582. Disease mechanism: loss of function.
Breast-ovarian cancer, familial, susceptibility to, 1 (BROVCA1). Also called: BRCA1 Hereditary Breast and Ovarian Cancer; OVARIAN CANCER, SUSCEPTIBILITY TO. Identifiers: Orphanet 145, MedGen C2676676, MONDO:0011450, OMIM 604370. Disease mechanism: loss of function.

Submissions (2):

Evidence-based Network for the Interpretation of Germline Mutant Alleles (ENIGMA)
Classification: Pathogenic for Breast-ovarian cancer, familial, susceptibility to, 1. Last evaluated: 2017-12-15. Review status: reviewed by expert panel. Criteria: ENIGMA BRCA1/2 Classification Criteria (2017-06-29). Collection method: curation. Allele origin: germline. Study: ENIGMA.
Comment: Variant allele predicted to encode a truncated non-functional protein.

Research Molecular Genetics Laboratory, Women's College Hospital, University of Toronto
Classification: Pathogenic for Hereditary breast ovarian cancer syndrome. Last evaluated: 2014-01-31. Review status: no assertion criteria provided. Collection method: research. Allele origin: germline. Affected: yes. Study: The Canadian Open Genetics Repository (COGR). Not counted in ClinVar's aggregate classification.